The following is an entry in ClinVar:

NM_147127.5(EVC2):c.1872_1873delinsA (p.Gln625fs)

Gene: EVC2 (EvC ciliary complex subunit 2; minus strand). Cytogenetic location: 4p16.2.
Variant type: Indel.
Coding change: c.1872_1873delinsA on transcript NM_147127.5 (MANE Select); coding-DNA positions 1872 to 1873, TC replaced by A.
Protein change: p.Gln625fs; shifts the reading frame from glutamine 625.
Molecular consequence: frameshift variant.
Genome position (GRCh38, 1-based): chr4:5,628,572-5,628,573, GA replaced by T on the plus strand (TC replaced by A on the coding strand, the reverse complement: EVC2 is on the minus strand). VCF-style: chr4-5628572-GA-T. GRCh37 (hg19) VCF-style: chr4-5630299-GA-T.
Other names: c.1632_1633delinsA, p.Gln545fs (NM_001166136.2); short protein forms Q545fs, Q625fs.
Identifiers: ClinVar variation 1724585 (VCV001724585.2), dbSNP rs2475395424, ClinGen allele CA2580070754.

ClinVar aggregate classification (germline): Likely pathogenic (1 of 4 stars; one submission).

Conditions:
Ellis-van Creveld syndrome (EVC). Also called: EVC-Related Ellis-van Creveld Syndrome; EVC2-Related Ellis-van Creveld Syndrome; MESOECTODERMAL DYSPLASIA; Chondroectodermal dysplasia. Identifiers: Orphanet 289, MedGen C0013903, MONDO:0009162, OMIM 225500.

Submission:

Myriad Genetics, Inc.
Classification: Likely pathogenic for Ellis-van Creveld syndrome. Last evaluated: 2022-02-20. Review status: criteria provided, single submitter. Criteria: Myriad Women's Health Autosomal Recessive and X-Linked Classification Criteria (2021). Collection method: clinical testing. Allele origin: unknown.
Comment: NM_147127.4(EVC2):c.1872_1873delTCinsA(Q625Rfs*36) is expected to be pathogenic in the context of EVC2-related Ellis-van Creveld syndrome. This variant is predicted to lead to an abnormal or absent protein product due to the creation of a premature termination codon in EVC2, a gene where loss-of-function variants are known to be pathogenic. Please note: this variant was assessed in the context of healthy population screening.